The following is an entry in ClinVar:

NM_004984.4(KIF5A):c.1570-20A>G

Gene: KIF5A (kinesin family member 5A; plus strand). Cytogenetic location: 12q13.3.
Variant type: single nucleotide variant.
Coding change: c.1570-20A>G on transcript NM_004984.4 (MANE Select); 20 bases into the intron before coding-DNA position 1570, A replaced by G.
Molecular consequence: intron variant.
Genome position (GRCh38, 1-based): chr12:57,572,560, A>G. VCF-style: chr12-57572560-A-G. GRCh37 (hg19) VCF-style: chr12-57966343-A-G.
Other names: c.1303-20A>G (NM_001354705.2).
Identifiers: ClinVar variation 2127872 (VCV002127872.4), dbSNP rs2540504790, ClinGen allele CA2580086599.

ClinVar aggregate classification (germline): Uncertain significance (1 of 4 stars; one submission).

Conditions:
Spastic paraplegia. Identifiers: MedGen C0037772, HP:0001258.

Submission:

Labcorp Genetics (formerly Invitae), Labcorp
Classification: Uncertain significance for Spastic paraplegia. Last evaluated: 2022-04-18. Review status: criteria provided, single submitter. Criteria: Invitae Variant Classification Sherloc (09022015). Collection method: clinical testing. Allele origin: germline.
Comment: In summary, the available evidence is currently insufficient to determine the role of this variant in disease. Therefore, it has been classified as a Variant of Uncertain Significance. Algorithms developed to predict the effect of sequence changes on RNA splicing suggest that this variant may disrupt the consensus splice site. This variant has not been reported in the literature in individuals affected with KIF5A-related conditions. This variant is not present in population databases (gnomAD no frequency). This sequence change falls in intron 14 of the KIF5A gene. It does not directly change the encoded amino acid sequence of the KIF5A protein.